The following is an entry in ClinVar:

ClinVar aggregate classification (germline): Uncertain significance (1 of 4 stars; one submission).

Conditions:
COG5-congenital disorder of glycosylation. Also called: CDG IIi; CONGENITAL DISORDER OF GLYCOSYLATION, TYPE IIi; COG5-CDG. Identifiers: Orphanet 263487, MedGen C3150876, MONDO:0013325, OMIM 613612.

Submission:

Labcorp Genetics (formerly Invitae), Labcorp
Classification: Uncertain significance for COG5-congenital disorder of glycosylation. Last evaluated: 2024-05-13. Review status: criteria provided, single submitter. Criteria: Invitae Variant Classification Sherloc (09022015). Collection method: clinical testing. Allele origin: germline.
Comment: This sequence change affects the initiator methionine of the COG5 mRNA. The next in-frame methionine is located at codon 32. This variant is not present in population databases (gnomAD no frequency). This variant has not been reported in the literature in individuals affected with COG5-related conditions. ClinVar contains an entry for this variant (Variation ID: 2153933). Experimental studies and prediction algorithms are not available or were not evaluated, and the functional significance of this variant is currently unknown. In summary, the available evidence is currently insufficient to determine the role of this variant in disease. Therefore, it has been classified as a Variant of Uncertain Significance.

NC_000007.14:g.107563988A>C

Genes: COG5 (component of oligomeric golgi complex 5; minus strand), DUS4L-BCAP29 (DUS4L-BCAP29 readthrough; plus strand), DUS4L (dihydrouridine synthase 4 like; plus strand). Cytogenetic location: 7q22.3.
Variant type: single nucleotide variant.
Molecular consequence: 5 prime UTR variant (on NM_181581.3). On other transcripts: non-coding transcript variant (7).
Genome position: GRCh38 VCF-style: chr7-107563988-A-C. GRCh37 (hg19) VCF-style: chr7-107204433-A-C.
Other names: c.-182A>C (NM_001270419.2); c.-332A>C (NM_181581.3, NM_001371364.2, NM_001371366.2); c.-370A>C (NM_001371365.2); c.-243A>C (NM_001371367.2).
Identifiers: ClinVar variation 2153933 (VCV002153933.4), dbSNP rs748922374, ClinGen allele CA368827267.